The following is an entry in ClinVar:

ClinVar aggregate classification (germline): Likely benign. Review status: criteria provided, multiple submitters, no conflicts (2 of 4 stars). 2 submissions from 2 submitters: Likely benign (2). Last evaluated 2024-05-28.

Conditions:
Ataxia-telangiectasia syndrome (AT). Also called: AT, COMPLEMENTATION GROUP C; Ataxia-telangiectasia, complementation group D; ATAXIA-TELANGIECTASIA, COMPLEMENTATION GROUP A; ATAXIA-TELANGIECTASIA, FRESNO VARIANT; Ataxia-telangiectasia; Ataxia-telangiectasia, complementation group E. Identifiers: Orphanet 100, MedGen C0004135, MONDO:0008840, OMIM 208900.
Familial cancer of breast. Also called: hereditary breast carcinoma; BREAST CANCER, FAMILIAL; Hereditary breast cancer. Identifiers: Orphanet 227535, MedGen C0346153, MONDO:0016419, OMIM 114480. Disease mechanism: loss of function.

Submissions (2):

Myriad Genetics, Inc.
Classification: Likely benign for Familial cancer of breast. Last evaluated: 2024-05-28. Review status: criteria provided, single submitter. Criteria: Myriad Autosomal Dominant, Autosomal Recessive and X-Linked Classification Criteria (2023). Collection method: clinical testing. Allele origin: unknown.
Comment: This variant is considered likely benign. This variant is intronic and is not expected to impact mRNA splicing.

Labcorp Genetics (formerly Invitae), Labcorp
Classification: Likely benign for Ataxia-telangiectasia syndrome. Last evaluated: 2024-05-23. Review status: criteria provided, single submitter. Criteria: Invitae Variant Classification Sherloc (09022015). Collection method: clinical testing. Allele origin: germline.

NM_000051.4(ATM):c.5919-7C>T

Genes: ATM (ATM serine/threonine kinase; plus strand), C11orf65 (chromosome 11 open reading frame 65; minus strand). Cytogenetic location: 11q22.3.
Variant type: single nucleotide variant.
Coding change: c.5919-7C>T on transcript NM_000051.4 (MANE Select); 7 bases into the intron before coding-DNA position 5919, C replaced by T.
Molecular consequence: intron variant.
Genome position (GRCh38, 1-based): chr11:108,312,404, C>T. VCF-style: chr11-108312404-C-T. GRCh37 (hg19) VCF-style: chr11-108183131-C-T.
Other names: c.5919-7C>T (NM_001351834.2); c.641-3333G>A (NM_001330368.2); c.*39-3333G>A (NM_001351110.2).
Identifiers: ClinVar variation 3253744 (VCV003253744.3), dbSNP rs2136058325.
Genomic context (GRCh38, chr11:108,312,404, plus strand): 5'-AGTATATGTATTCAGGAGCTTCCAAATAGTATGTTCTCATTAAAAGAGGTGTTCTTGTGA[C>T]AAACAGAAGTCTTGCATTTGAAGAAGGAAGCCAGAGTACAACTATTTCTAGCTTGAGTGA-3'